The following is an entry in ClinVar:

ClinVar aggregate classification (germline): Uncertain significance. Review status: criteria provided, multiple submitters, no conflicts (2 of 4 stars). 2 submissions from 2 submitters: Uncertain significance (2). Last evaluated 2025-04-23.

Allele frequency attached by ClinVar (database versions not stated): gnomAD 0.00001 and 0.00003; gnomAD exomes 0.00001 and 0.00004; TOPMed 0.00001; ExAC 0.00004; 1000 Genomes Project 30x 0.00031; 1000 Genomes Project 0.00040.
gnomAD v4.1: 22 of 1,611,754 alleles (0.0014%); highest among the groups gnomAD compares: East Asian, 0.031%; no homozygotes.

Submissions (2):

Labcorp Genetics (formerly Invitae), Labcorp
Classification: Uncertain significance. Last evaluated: 2025-04-23. Review status: criteria provided, single submitter. Criteria: Invitae Variant Classification Sherloc (09022015). Collection method: clinical testing. Allele origin: germline.
Comment: This sequence change replaces glutamic acid, which is acidic and polar, with glutamine, which is neutral and polar, at codon 458 of the PRPF4 protein (p.Glu458Gln). This variant is present in population databases (rs563771167, gnomAD 0.05%). This variant has not been reported in the literature in individuals affected with PRPF4-related conditions. ClinVar contains an entry for this variant (Variation ID: 850211). An algorithm developed to predict the effect of missense changes on protein structure and function (PolyPhen-2) suggests that this variant is likely to be tolerated. In summary, the available evidence is currently insufficient to determine the role of this variant in disease. Therefore, it has been classified as a Variant of Uncertain Significance.

Blueprint Genetics
Classification: Uncertain significance. Last evaluated: 2022-03-24. Review status: criteria provided, single submitter. Criteria: ACMG Guidelines, 2015. Collection method: clinical testing. Allele origin: germline.

NM_001244926.2(PRPF4):c.1369G>C (p.Glu457Gln)

Gene: PRPF4 (pre-mRNA splicing tri-snRNP complex factor PRPF4; plus strand). Cytogenetic location: 9q32.
Variant type: single nucleotide variant.
Coding change: c.1369G>C on transcript NM_001244926.2 (MANE Select); coding-DNA position 1369, G replaced by C.
Protein change: p.Glu457Gln; replaces glutamic acid 457 with glutamine.
Molecular consequence: missense variant. On other transcripts: non-coding transcript variant (2).
Genome position (GRCh38, 1-based): chr9:113,291,013, G>C. VCF-style: chr9-113291013-G-C. GRCh37 (hg19) VCF-style: chr9-116053293-G-C.
Other names: c.643G>C, p.Glu215Gln (NM_001322266.2, NM_001322267.2); c.1372G>C, p.Glu458Gln (NM_004697.5); short protein forms E215Q, E457Q, E458Q.
Identifiers: ClinVar variation 850211 (VCV000850211.9), dbSNP rs563771167, ClinGen allele CA5195157.